The following is an entry in ClinVar:

NM_025074.7(FRAS1):c.4367T>C (p.Ile1456Thr)

Gene: FRAS1 (Fraser extracellular matrix complex subunit 1; plus strand). Cytogenetic location: 4q21.21.
Variant type: single nucleotide variant.
Coding change: c.4367T>C on transcript NM_025074.7 (MANE Select); coding-DNA position 4367, T replaced by C.
Protein change: p.Ile1456Thr; replaces isoleucine 1456 with threonine.
Molecular consequence: missense variant.
Genome position (GRCh38, 1-based): chr4:78,413,027, T>C. VCF-style: chr4-78413027-T-C. GRCh37 (hg19) VCF-style: chr4-79334181-T-C.
Other names: c.4367T>C, p.Ile1456Thr (NM_001166133.2); short protein forms I1456T.
Identifiers: ClinVar variation 907300 (VCV000907300.7), dbSNP rs560902495, ClinGen allele CA2977177.

ClinVar aggregate classification (germline): Uncertain significance. Review status: criteria provided, multiple submitters, no conflicts (2 of 4 stars). 4 submissions from 4 submitters: Uncertain significance (3). 1 of the submissions does not count toward it. Last evaluated 2024-05-29.

Conditions:
Fraser syndrome 1 (FRASRS1). Also called: CRYPTOPHTHALMOS WITH OTHER MALFORMATIONS. Identifiers: Orphanet 2052, MedGen C4551480, MONDO:0054737, OMIM 219000.
FRAS1-related disorder. Also called: FRAS1-related condition.

Allele frequency attached by ClinVar (database versions not stated): gnomAD exomes 0.00001 and 0.00002; ExAC 0.00005; gnomAD 0.00006 and 0.00007; TOPMed 0.00017; 1000 Genomes Project 0.00040; 1000 Genomes Project 30x 0.00047.
gnomAD v4.1: 37 of 1,611,188 alleles (0.0023%); highest among the groups gnomAD compares: Middle Eastern, 0.033%; no homozygotes.

Submissions (4):

Fulgent Genetics
Classification: Uncertain significance for Fraser syndrome 1. Last evaluated: 2024-05-29. Review status: criteria provided, single submitter. Criteria: ACMG Guidelines, 2015. Collection method: clinical testing. Allele origin: germline.

Labcorp Genetics (formerly Invitae), Labcorp
Classification: Uncertain significance. Last evaluated: 2022-05-20. Review status: criteria provided, single submitter. Criteria: Invitae Variant Classification Sherloc (09022015). Collection method: clinical testing. Allele origin: germline.
Comment: This sequence change replaces isoleucine, which is neutral and non-polar, with threonine, which is neutral and polar, at codon 1456 of the FRAS1 protein (p.Ile1456Thr). This variant is present in population databases (rs560902495, gnomAD 0.02%). This variant has not been reported in the literature in individuals affected with FRAS1-related conditions. ClinVar contains an entry for this variant (Variation ID: 907300). Algorithms developed to predict the effect of missense changes on protein structure and function (SIFT, PolyPhen-2, Align-GVGD) all suggest that this variant is likely to be disruptive. In summary, the available evidence is currently insufficient to determine the role of this variant in disease. Therefore, it has been classified as a Variant of Uncertain Significance.

Illumina Laboratory Services, Illumina
Classification: Uncertain significance for Fraser syndrome 1. Last evaluated: 2018-01-12. Review status: criteria provided, single submitter. Criteria: ICSL Variant Classification Criteria 13 December 2019. Collection method: clinical testing. Allele origin: germline.

PreventionGenetics, part of Exact Sciences
Classification: Uncertain significance for FRAS1-related condition. Last evaluated: 2024-07-18. Review status: no assertion criteria provided. Collection method: clinical testing. Allele origin: germline. Not counted in ClinVar's aggregate classification.
Comment: The FRAS1 c.4367T>C variant is predicted to result in the amino acid substitution p.Ile1456Thr. To our knowledge, this variant has not been reported in the literature. This variant is reported in 0.012% of alleles in individuals of Latino descent in gnomAD. At this time, the clinical significance of this variant is uncertain due to the absence of conclusive functional and genetic evidence.